The following is an entry in ClinVar:

NM_001101362.3(KBTBD13):c.1226T>C (p.Met409Thr)

Gene: KBTBD13 (kelch repeat and BTB domain containing 13; plus strand). Cytogenetic location: 15q22.31.
Variant type: single nucleotide variant.
Coding change: c.1226T>C on transcript NM_001101362.3 (MANE Select); coding-DNA position 1226, T replaced by C.
Protein change: p.Met409Thr; replaces methionine 409 with threonine.
Molecular consequence: missense variant.
Genome position (GRCh38, 1-based): chr15:65,078,041, T>C. VCF-style: chr15-65078041-T-C. GRCh37 (hg19) VCF-style: chr15-65370379-T-C.
Other names: p.Met409Thr; short protein forms M409T.
Identifiers: ClinVar variation 833865 (VCV000833865.11), dbSNP rs767005954, ClinGen allele CA7614108.

ClinVar aggregate classification (germline): Benign/Likely benign. Review status: criteria provided, multiple submitters, no conflicts (2 of 4 stars). 2 submissions from 2 submitters: Benign (1); Likely benign (1). Last evaluated 2025-10-29.

Conditions:
Nemaline myopathy 6 (NEM6). Also called: Nemaline myopathy 6, autosomal dominant. Identifiers: Orphanet 171439, MedGen C1836472, MONDO:0012237, OMIM 609273.

Allele frequency attached by ClinVar (database versions not stated): ExAC 0.00001; gnomAD exomes 0.00001 and 0.00003; gnomAD 0.00002; TOPMed 0.00004.

Submissions (2):

Labcorp Genetics (formerly Invitae), Labcorp
Classification: Benign for Nemaline myopathy 6. Last evaluated: 2025-10-29. Review status: criteria provided, single submitter. Criteria: Invitae Variant Classification Sherloc (09022015). Collection method: clinical testing. Allele origin: germline.

Mayo Clinic Laboratories, Mayo Clinic
Classification: Likely benign. Last evaluated: 2024-11-04. Review status: criteria provided, single submitter. Criteria: ACMG Guidelines, 2015. Collection method: clinical testing. Allele origin: germline. Observed: 1 variant allele.
Comment: BS2, BP4, BP5